The following is an entry in ClinVar:

NC_000019.10:g.1205344G>C

Genes: STK11 (serine/threonine kinase 11; plus strand), LOC130062893 (ATAC-STARR-seq lymphoblastoid active region 13593; plus strand). Cytogenetic location: 19p13.3.
Variant type: single nucleotide variant.
Genome position: GRCh38 VCF-style: chr19-1205344-G-C. GRCh37 (hg19) VCF-style: chr19-1205343-G-C.
Identifiers: ClinVar variation 1879405 (VCV001879405.29), dbSNP rs759197411, ClinGen allele CA304015788.

ClinVar aggregate classification (germline): Likely benign (1 of 4 stars; one submission).

Allele frequency attached by ClinVar (database versions not stated): TOPMed 0.00012; gnomAD 0.00013.

Submission:

CeGaT Center for Human Genetics Tuebingen
Classification: Likely benign. Last evaluated: 2025-01-01. Review status: criteria provided, single submitter. Criteria: CeGaT Center For Human Genetics Tuebingen Variant Classification Criteria Version 2. Collection method: clinical testing. Allele origin: germline. Affected: yes. Observed: 4 variant alleles.
Comment: STK11: BS1